The following is an entry in ClinVar:

ClinVar aggregate classification (germline): Uncertain significance (1 of 4 stars; one submission).

Conditions:
Granulomatous disease, chronic, autosomal recessive, cytochrome b-positive, type 2. Also called: GRANULOMATOUS DISEASE, CHRONIC, AUTOSOMAL RECESSIVE, 2; Chronic granulomatous disease due to deficiency of NCF-2; Chronic Granulomatous Disease, Autosomal Recessive, Cytochrome b-Positive, Type II; GRANULOMATOUS DISEASE, CHRONIC, DUE TO NCF2 DEFICIENCY; CGD, AUTOSOMAL RECESSIVE CYTOCHROME b-POSITIVE, TYPE II. Identifiers: Orphanet 379, MedGen C1856245, MONDO:0009310, OMIM 233710.

Allele frequency attached by ClinVar (database versions not stated): ExAC 0.00002; gnomAD exomes 0.00003; gnomAD 0.00004; TOPMed 0.00005; ESP Exome Variant Server 0.00015.
gnomAD v4.1: 161 of 1,613,718 alleles (0.01%); highest among the groups gnomAD compares: Non-Finnish European, 0.013%; no homozygotes.

Submission:

Labcorp Genetics (formerly Invitae), Labcorp
Classification: Uncertain significance for Granulomatous disease, chronic, autosomal recessive, cytochrome b-positive, type 2. Last evaluated: 2022-09-19. Review status: criteria provided, single submitter. Criteria: Invitae Variant Classification Sherloc (09022015). Collection method: clinical testing. Allele origin: germline.
Comment: This sequence change affects codon 203 of the NCF2 mRNA. It is a 'silent' change, meaning that it does not change the encoded amino acid sequence of the NCF2 protein. This variant also falls at the last nucleotide of exon 5, which is part of the consensus splice site for this exon. The frequency data for this variant in the population databases is considered unreliable, as metrics indicate poor data quality at this position in the gnomAD database. This variant has not been reported in the literature in individuals affected with NCF2-related conditions. ClinVar contains an entry for this variant (Variation ID: 844354). Variants that disrupt the consensus splice site are a relatively common cause of aberrant splicing (PMID: 17576681, 9536098). Algorithms developed to predict the effect of sequence changes on RNA splicing suggest that this variant may disrupt the consensus splice site. In summary, the available evidence is currently insufficient to determine the role of this variant in disease. Therefore, it has been classified as a Variant of Uncertain Significance.

Literature cited by the submitters: PubMed 17576681; PubMed 9536098.

NM_000433.4(NCF2):c.609G>A (p.Thr203=)

Gene: NCF2 (neutrophil cytosolic factor 2; minus strand). Cytogenetic location: 1q25.3.
Variant type: single nucleotide variant.
Coding change: c.609G>A on transcript NM_000433.4 (MANE Select); coding-DNA position 609, G replaced by A.
Protein change: p.Thr203=; no amino-acid change (threonine 203 retained).
Molecular consequence: synonymous variant. On other transcripts: intron variant (1).
Genome position (GRCh38, 1-based): chr1:183,573,185, C>T on the plus strand (G>A on the coding strand, the complement: NCF2 is on the minus strand). VCF-style: chr1-183573185-C-T. GRCh37 (hg19) VCF-style: chr1-183542320-C-T.
Other names: c.609G>A, p.Thr203= (NM_001127651.3); c.474G>A, p.Thr158= (NM_001190794.2); c.367-2346G>A (NM_001190789.2).
Identifiers: ClinVar variation 844354 (VCV000844354.5), dbSNP rs147657171, ClinGen allele CA1284918.